The following is an entry in ClinVar:

NM_020822.2(KCNT1):c.-146A>T

Genes: KCNT1 (potassium sodium-activated channel subfamily T member 1; plus strand), LOC130002976 (ATAC-STARR-seq lymphoblastoid silent region 20488; plus strand). Cytogenetic location: 9q34.3.
Variant type: single nucleotide variant.
Coding change: c.-146A>T on transcript NM_020822.2; 146 bases upstream of the start codon, A replaced by T.
Genome position (GRCh38, 1-based): chr9:135,702,113, A>T. VCF-style: chr9-135702113-A-T. GRCh37 (hg19) VCF-style: chr9-138593959-A-T.
Identifiers: ClinVar variation 677573 (VCV000677573.3), dbSNP rs113047199, ClinGen allele CA201461171.

ClinVar aggregate classification (germline): Benign (1 of 4 stars; one submission).

Allele frequency attached by ClinVar (database versions not stated): 1000 Genomes Project 30x 0.02186; 1000 Genomes Project 0.02057; gnomAD 0.01895 and 0.02041; TOPMed 0.02161.

Submission:

GeneDx
Classification: Benign. Last evaluated: 2018-06-14. Review status: criteria provided, single submitter. Criteria: GeneDx Variant Classification (06012015). Collection method: clinical testing. Allele origin: germline. Affected: yes.
Comment: This variant is considered likely benign or benign based on one or more of the following criteria: it is a conservative change, it occurs at a poorly conserved position in the protein, it is predicted to be benign by multiple in silico algorithms, and/or has population frequency not consistent with disease.